The following is an entry in ClinVar:

ClinVar aggregate classification (germline): Uncertain significance (0 of 4 stars; one submission).

Conditions:
GAS8-related disorder. Also called: GAS8-related condition.

gnomAD v4.1: 17 of 1,613,974 alleles (0.0011%); highest among the groups gnomAD compares: Non-Finnish European, 0.0014%; no homozygotes.

Submission:

PreventionGenetics, part of Exact Sciences
Classification: Uncertain significance for GAS8-related condition. Last evaluated: 2024-03-19. Review status: no assertion criteria provided. Collection method: clinical testing. Allele origin: germline.
Comment: The GAS8 c.362C>G variant is predicted to result in the amino acid substitution p.Thr121Ser. To our knowledge, this variant has not been reported in the literature. This variant is reported in 0.00088% of alleles in individuals of European (Non-Finnish) descent in gnomAD. At this time, the clinical significance of this variant is uncertain due to the absence of conclusive functional and genetic evidence.

NM_001481.3(GAS8):c.362C>G (p.Thr121Ser)

Gene: GAS8 (growth arrest specific 8; plus strand). Cytogenetic location: 16q24.3.
Variant type: single nucleotide variant.
Coding change: c.362C>G on transcript NM_001481.3 (MANE Select); coding-DNA position 362, C replaced by G.
Protein change: p.Thr121Ser; replaces threonine 121 with serine.
Molecular consequence: missense variant. On other transcripts: 5 prime UTR variant (1).
Genome position (GRCh38, 1-based): chr16:90,032,791, C>G. VCF-style: chr16-90032791-C-G. GRCh37 (hg19) VCF-style: chr16-90099199-C-G.
Other names: c.113C>G, p.Thr38Ser (NM_001286205.2); c.-160C>G (NM_001286208.2); c.287C>G, p.Thr96Ser (NM_001286209.2); short protein forms T121S, T38S, T96S.
Identifiers: ClinVar variation 3348479 (VCV003348479.1).